The following is an entry in ClinVar:

NM_138370.3(PKDCC):c.991T>C (p.Cys331Arg)

Gene: PKDCC (protein kinase domain containing, cytoplasmic; plus strand). Cytogenetic location: 2p21.
Variant type: single nucleotide variant.
Coding change: c.991T>C on transcript NM_138370.3 (MANE Select); coding-DNA position 991, T replaced by C.
Protein change: p.Cys331Arg; replaces cysteine 331 with arginine.
Molecular consequence: missense variant.
Genome position (GRCh38, 1-based): chr2:42,054,264, T>C. VCF-style: chr2-42054264-T-C. GRCh37 (hg19) VCF-style: chr2-42281404-T-C.
Other names: c.991T>C (NM_138370.2); short protein forms C331R.
Identifiers: ClinVar variation 1478856 (VCV001478856.7), dbSNP rs757512363, ClinGen allele CA1628080.

ClinVar aggregate classification (germline): Uncertain significance. Review status: criteria provided, multiple submitters, no conflicts (2 of 4 stars). 3 submissions from 3 submitters: Uncertain significance (3). Last evaluated 2025-05-05.

Conditions:
Inborn genetic diseases. Identifiers: MedGen C0950123, MeSH D030342.

Allele frequency attached by ClinVar (database versions not stated): TOPMed below 0.00001; ExAC 0.00001; gnomAD 0.00001; gnomAD exomes 0.00001.
gnomAD v4.1: 4 of 1,605,872 alleles (0.00025%); highest among the groups gnomAD compares: Non-Finnish European, 0.00034%; no homozygotes.

Submissions (3):

Ambry Genetics
Classification: Uncertain significance for Inborn genetic diseases. Last evaluated: 2025-05-05. Review status: criteria provided, single submitter. Criteria: Ambry Variant Classification Scheme 2023. Collection method: clinical testing. Allele origin: germline.

Labcorp Genetics (formerly Invitae), Labcorp
Classification: Uncertain significance. Last evaluated: 2022-09-07. Review status: criteria provided, single submitter. Criteria: Invitae Variant Classification Sherloc (09022015). Collection method: clinical testing. Allele origin: germline.
Comment: This sequence change replaces cysteine, which is neutral and slightly polar, with arginine, which is basic and polar, at codon 331 of the PKDCC protein (p.Cys331Arg). This variant is present in population databases (rs757512363, gnomAD 0.003%). This variant has not been reported in the literature in individuals affected with PKDCC-related conditions. ClinVar contains an entry for this variant (Variation ID: 1478856). Algorithms developed to predict the effect of missense changes on protein structure and function (SIFT, PolyPhen-2, Align-GVGD) all suggest that this variant is likely to be disruptive. In summary, the available evidence is currently insufficient to determine the role of this variant in disease. Therefore, it has been classified as a Variant of Uncertain Significance.

Blueprint Genetics
Classification: Uncertain significance. Last evaluated: 2018-10-29. Review status: criteria provided, single submitter. Criteria: ACMG Guidelines, 2015. Collection method: clinical testing. Allele origin: germline.